The following is an entry in ClinVar:

ClinVar aggregate classification (germline): Benign (1 of 4 stars; one submission).

Conditions:
Polycystic liver disease 1 (PCLD1). Also called: Polycystic liver disease 1 with or without kidney cysts. Identifiers: Orphanet 2924, MedGen C0887850, MONDO:0008265, OMIM 174050.

Allele frequency attached by ClinVar (database versions not stated): 1000 Genomes Project 0.00020; 1000 Genomes Project 30x 0.00016.
gnomAD v4.1: 87 of 1,613,736 alleles (0.0054%); highest among the groups gnomAD compares: South Asian, 0.089%; 3 homozygotes.

Submission:

Illumina Laboratory Services, Illumina
Classification: Benign for Polycystic liver disease 1. Last evaluated: 2018-01-13. Review status: criteria provided, single submitter. Criteria: ICSL Variant Classification Criteria 13 December 2019. Collection method: clinical testing. Allele origin: germline.
Comment: This variant was observed in the ICSL laboratory as part of a predisposition screen in an ostensibly healthy population. It had not been previously curated by ICSL or reported in the Human Gene Mutation Database (HGMD: prior to June 1st, 2018), and was therefore a candidate for classification through an automated scoring system. Utilizing variant allele frequency, disease prevalence and penetrance estimates, and inheritance mode, an automated score was calculated to assess if this variant is too frequent to cause the disease. Based on the score and internal cut-off values, a variant classified as benign is not then subjected to further curation. The score for this variant resulted in a classification of benign for this disease.

NM_001289104.2(PRKCSH):c.1470C>T (p.Leu490=)

Gene: PRKCSH (PRKCSH beta subunit of glucosidase II; plus strand). Cytogenetic location: 19p13.2.
Variant type: single nucleotide variant.
Coding change: c.1470C>T on transcript NM_001289104.2 (MANE Select); coding-DNA position 1470, C replaced by T.
Protein change: p.Leu490=; no amino-acid change (leucine 490 retained).
Molecular consequence: synonymous variant.
Genome position (GRCh38, 1-based): chr19:11,449,274, C>T. VCF-style: chr19-11449274-C-T. GRCh37 (hg19) VCF-style: chr19-11560089-C-T.
Other names: c.1440C>T, p.Leu480= (NM_001001329.3, NM_001289102.2, NM_001379609.1); c.1470C>T, p.Leu490= (NM_001289103.2); c.1449C>T, p.Leu483= (NM_001379608.1, NM_002743.3).
Identifiers: ClinVar variation 888607 (VCV000888607.4), dbSNP rs533472516, ClinGen allele CA9213349.
Genomic context (GRCh38, chr19:11,449,274, plus strand): 5'-CCCAGGCCTGGCCCAGCCGAACCCTCTCGAGCACCCGTCTGCCCATCCCCAGGTGCGCCT[C>T]CTGTGCGGGAAAGAGACCATGGTGACCAGCACCACAGAGCCCAGTCGCTGCGAGTACCTC-3'
Protein context (NP_001276033.1, residues 480-500): QGPNRSTTVR[Leu490=]LCGKETMVTS